The following is an entry in ClinVar:

NM_014314.4(RIGI):c.2063G>C (p.Ser688Thr)

Gene: RIGI (RNA sensor RIG-I; minus strand). Cytogenetic location: 9p21.1.
Variant type: single nucleotide variant.
Coding change: c.2063G>C on transcript NM_014314.4 (MANE Select); coding-DNA position 2063, G replaced by C.
Protein change: p.Ser688Thr; replaces serine 688 with threonine.
Molecular consequence: missense variant. On other transcripts: intron variant (1).
Genome position (GRCh38, 1-based): chr9:32,467,884, C>G on the plus strand (G>C on the coding strand, the complement: RIGI is on the minus strand). VCF-style: chr9-32467884-C-G. GRCh37 (hg19) VCF-style: chr9-32467882-C-G.
Other names: c.2057G>C, p.Ser686Thr (NM_001385907.1); c.1622G>C, p.Ser541Thr (NM_001385910.1); c.1454G>C, p.Ser485Thr (NM_001385912.1); c.2048G>C, p.Ser683Thr (NM_001385913.1); c.1619G>C, p.Ser540Thr (NM_001385914.1); c.2015-1443G>C (NM_001385909.1); short protein forms S485T, S540T, S686T, S683T, S541T, S688T.
Identifiers: ClinVar variation 1421776 (VCV001421776.8), dbSNP rs2118693493, ClinGen allele CA373146300.

ClinVar aggregate classification (germline): Uncertain significance (1 of 4 stars; one submission).

Submission:

Labcorp Genetics (formerly Invitae), Labcorp
Classification: Uncertain significance. Last evaluated: 2022-08-16. Review status: criteria provided, single submitter. Criteria: Invitae Variant Classification Sherloc (09022015). Collection method: clinical testing. Allele origin: germline.
Comment: This sequence change replaces serine, which is neutral and polar, with threonine, which is neutral and polar, at codon 688 of the DDX58 protein (p.Ser688Thr). This variant is not present in population databases (gnomAD no frequency). This variant has not been reported in the literature in individuals affected with DDX58-related conditions. ClinVar contains an entry for this variant (Variation ID: 1421776). Algorithms developed to predict the effect of missense changes on protein structure and function (SIFT, PolyPhen-2, Align-GVGD) all suggest that this variant is likely to be tolerated. In summary, the available evidence is currently insufficient to determine the role of this variant in disease. Therefore, it has been classified as a Variant of Uncertain Significance.